The following is an entry in ClinVar:

ClinVar aggregate classification (germline): Likely benign. Review status: criteria provided, multiple submitters, no conflicts (2 of 4 stars). 3 submissions from 3 submitters: Likely benign (2). 1 of the submissions does not count toward it. Last evaluated 2025-12-30.

Conditions:
COL18A1-related disorder. Also called: COL18A1-related disorders; COL18A1-related condition.

Allele frequency attached by ClinVar (database versions not stated): gnomAD exomes below 0.00001.
gnomAD v4.1: 5 of 1,613,718 alleles (0.00031%); highest among the groups gnomAD compares: Middle Eastern, 0.033%; no homozygotes.

Submissions (3):

Labcorp Genetics (formerly Invitae), Labcorp
Classification: Likely benign. Last evaluated: 2025-12-30. Review status: criteria provided, single submitter. Criteria: Invitae Variant Classification Sherloc (09022015). Collection method: clinical testing. Allele origin: germline.

Blueprint Genetics
Classification: Likely benign. Last evaluated: 2023-11-23. Review status: criteria provided, single submitter. Criteria: ACMG Guidelines, 2015. Collection method: clinical testing. Allele origin: germline.

PreventionGenetics, part of Exact Sciences
Classification: Likely benign for COL18A1-related condition. Last evaluated: 2024-08-15. Review status: no assertion criteria provided. Collection method: clinical testing. Allele origin: germline. Not counted in ClinVar's aggregate classification.
Comment: This variant is classified as likely benign based on ACMG/AMP sequence variant interpretation guidelines (Richards et al. 2015 PMID: 25741868, with internal and published modifications).

NM_001379500.1(COL18A1):c.1236A>G (p.Glu412=)

Gene: COL18A1 (collagen type XVIII alpha 1 chain; plus strand). Cytogenetic location: 21q22.3.
Variant type: single nucleotide variant.
Coding change: c.1236A>G on transcript NM_001379500.1 (MANE Select); coding-DNA position 1236, A replaced by G.
Protein change: p.Glu412=; no amino-acid change (glutamic acid 412 retained).
Molecular consequence: synonymous variant.
Genome position (GRCh38, 1-based): chr21:45,478,341, A>G. VCF-style: chr21-45478341-A-G. GRCh37 (hg19) VCF-style: chr21-46898255-A-G.
Other names: c.1776A>G (NM_030582.3); c.1776A>G, p.Glu592= (NM_030582.4); c.2481A>G, p.Glu827= (NM_130444.3).
Identifiers: ClinVar variation 1503752 (VCV001503752.8), dbSNP rs2035758151, ClinGen allele CA512712539.